The following continues an entry in ClinVar:

NM_001048174.2(MUTYH):c.1143_1144dup (p.Glu382fs)

Gene: MUTYH. ClinVar aggregate classification (germline): Pathogenic/Likely pathogenic. Pathogenic (24); Likely pathogenic (1).

Submissions 11 to 20 of 32:

All of Us Research Program, National Institutes of Health
Classification: Pathogenic for Familial adenomatous polyposis 2. Last evaluated: 2024-09-23. Review status: criteria provided, single submitter. Criteria: ACMG Guidelines, 2015. Collection method: clinical testing. Allele origin: germline. Inheritance: Autosomal recessive inheritance. Observed: 33 variant alleles, 33 heterozygotes.
Comment: This variant inserts 2 nucleotides in exon 13 of the MUTYH gene, creating a frameshift and premature translation stop signal. This variant is expected to result in an absent or non-functional protein product. This variant is also known as c.1185_1186dupGG, c.1186_1187insGG and 1187insGG based on a different transcript (NM_001048171.1). This variant has been reported in multiple individuals affected with polyposis and colorectal cancer in homozygous state (PMID: 15366000, 17122612, 19531215, 19732775) and in compound heterozygous state with a known pathogenic variant in the same gene (PMID: 15188161, 22744763). It has also been reported in multiple individuals affected with polyposis with unspecified genotype (PMID: 27829682). A study of 36 families affected with polyposis has determined this variant to be a founder mutation in the North African population (PMID: 21443744). This variant has also been reported in a heterozygous individual suspected of having Lynch syndrome (PMID: 25980754). This variant has been identified in 40/282334 chromosomes (31/35430 Latino chromosomes) in the general population by the Genome Aggregation Database (gnomAD). Loss of MUTYH function is a known mechanism of disease. Based on the available evidence, this variant is classified as Pathogenic.

This study involves interpretation of variants in research participants for the purpose of population health screening. Participant phenotype was not available at the time of variant classification. Additional details can be found in publication PMID: 35346344, PMCID: PMC8962531

Genetics Department, Catlab
Classification: Pathogenic for Familial adenomatous polyposis 2. Last evaluated: 2024-09-10. Review status: criteria provided, single submitter. Criteria: ACMG Guidelines, 2015. Collection method: clinical testing. Allele origin: germline. Affected: yes. Observed: 1 variant allele.
Comment: The c.1143_1144dup frameshift variant in the MUTYH gene gene is a loss of function variant predicted to undergo nonsense mediated decay and loss of function variants have been described as a causing mechanism for the gene (PVS1). This change has been previously found in several patients in homozygous and compound heterozygous patients in the literature (PMID: 31739127, 19531215, 22744763) (PM3_Very_strong). Moreover, the variant has a very low frequency in gnomAD 4.1 (AF = 6.9394e-05) (PM2). With all the available evidence, the variant is classified as pathogenic.

Ambry Genetics
Classification: Pathogenic for Hereditary cancer-predisposing syndrome. Last evaluated: 2024-09-04. Review status: criteria provided, single submitter. Criteria: Ambry Variant Classification Scheme 2023. Collection method: clinical testing. Allele origin: germline.
Comment: The c.1227_1228dupGG pathogenic mutation, located in coding exon 13 of the MUTYH gene, results from a duplication of GG at nucleotide position 1227, causing a translational frameshift with a predicted alternate stop codon (p.E410Gfs*43). This mutation has been reported in multiple individuals with MUTYH-associated polyposis in both the homozygous and compound heterozygous state (Venesio T et al. Gastroenterology, 2004 Jun;126:1681-5; Isidro G et al. Hum. Mutat., 2004 Oct;24:353-4; Nielsen M et al. J. Med. Genet., 2005 Sep;42:e54; G&oacute;mez-Fern&aacute;ndez N et al. BMC Med Genet, 2009 Jun;10:57; Vogt S et al. Gastroenterology, 2009 Dec;137:1976-85.e1-10; Lefevre JH et al. Clin Genet, 2011 Oct;80:389-93; Abdelmaksoud-Dammak R et al. Fam. Cancer, 2012 Sep;11:503-8; Venesio T et al. Mod Pathol, 2013 Oct;26:1371-81; Guarinos C et al. Clin Cancer Res, 2014 Mar;20:1158-68; Yurgelun MB et al. Gastroenterology, 2015 Sep;149:604-13.e20; Ricci MT et al. J Hum Genet, 2017 Feb;62:309-315; Martin-Morales L et al. PLoS One, 2018 Sep;13:e0203885; Sutcliffe EG et al. Fam Cancer, 2019 04;18:203-209; Kdissa A et al. Cancer Genet, 2020 01;240:45-53). Of note, this alteration is also designated as c.1229insGG, c.1186_1187insGG, 1185_1186dupGG, and 1187insGG in published literature. In addition to the clinical data presented in the literature, this alteration is expected to result in loss of function by premature protein truncation or nonsense-mediated mRNA decay. As such, this alteration is interpreted as a disease-causing mutation.

Revvity Omics, Revvity
Classification: Pathogenic for Familial adenomatous polyposis 2. Last evaluated: 2024-06-12. Review status: criteria provided, single submitter. Criteria: ACMG Guidelines, 2015. Collection method: clinical testing. Allele origin: germline.

Blueprint Genetics
Classification: Pathogenic for MUTYH-related disorders. Last evaluated: 2024-05-14. Review status: criteria provided, single submitter. Criteria: ACMG Guidelines, 2015. Collection method: clinical testing. Allele origin: germline. Affected: yes. Observed: 5 variant alleles.

Baylor Genetics
Classification: Pathogenic for Familial adenomatous polyposis 2. Last evaluated: 2024-03-17. Review status: criteria provided, single submitter. Criteria: ACMG Guidelines, 2015. Collection method: clinical testing. Allele origin: unknown.

KCCC/NGS Laboratory, Kuwait Cancer Control Center
Classification: Pathogenic for Familial adenomatous polyposis 2. Last evaluated: 2023-07-07. Review status: criteria provided, single submitter. Criteria: ACMG Guidelines, 2015. Collection method: clinical testing. Allele origin: unknown. Affected: yes.
Comment: This variant is also known as c.1185_1186dupGG, c.1186_1187insGG and 1187insGG based on a different transcript (NM_001048171.1). In-silico predictions show this variant to be deleterious. This variant has been reported in multiple individuals affected with polyposis and colorectal cancer in homozygous state (PMID: 15366000, 17122612, 19531215, 19732775) or in compound heterozygous state with a known pathogenic variant in the same gene (PMID: 15188161, 22744763). A study of 36 families affected with polyposis has determined this variant to be a founder mutation in the North African population (PMID: 21443744). This variant has been identified in 40/282334 chromosomes (31/35430 Latino chromosomes) in the general population by the Genome Aggregation Database (gnomAD). ClinVar classifies this variant as Pathogenic, rated 2 stars, with 13 submissions, 17 publications (15188161, 15366000, 15690400, 16140997, 16941501 and 12 more) and no conflicts. Null variant (frame-shift), in gene MUTYH for which lossof- function is a known mechanism of disease. Therefore, this variant is classified as Pathogenic.

Laboratory for Molecular Medicine, Mass General Brigham Personalized Medicine
Classification: Pathogenic for Familial adenomatous polyposis 2. Last evaluated: 2022-11-03. Review status: criteria provided, single submitter. Criteria: ACMG Guidelines, 2015. Collection method: clinical testing. Allele origin: germline. Inheritance: Autosomal recessive inheritance.
Comment: The p.Glu410fs variant in MUTYH has been previously reported as heterozygous in 2 individuals with Lynch syndrome and as homozygous or compound heterozygous in 11 individuals with MUTYH-associated polyposis (MAP; Venesio 2004 PMID: 15188161, Vogt 2009 PMID: 19732775, Abdelmaksoud-Dammak 2012 PMID: 22744763, Ruggieri 2013 PMID: 23108399, Yurgelun 2015 PMID: 25980754). It segregated with disease in 2 affected individuals from 2 families (Abdelmaksoud-Dammak 2012 PMID: 2274476). In vitro functional studies provide some evidence that the p.Glu410fs variant may impact protein function (Ruggieri 2013 PMID: 23108399). It has been identified in 30/34416 Latino chromosomes by the Genome Aggregation Database (gnomAD; dbSNP rs587780078). Although this variant has been seen in the general population, its frequency is low enough to be consistent with a recessive carrier frequency. This variant is predicted to cause a frameshift, which alters the protein’s amino acid sequence beginning at position 410 and leads to a premature termination codon 43 amino acids downstream. This alteration is then predicted to lead to a truncated or absent protein. Homozygous loss of function of the MUTYH gene is an established disease mechanism in individuals with MAP. In summary, this variant meets criteria to be classified as pathogenic for FAP in an autosomal recessive manner based upon predicted impact to the protein, presence in multiple affected individuals, and functional studies. ACMG/AMP Criteria applied: PVS1, PS4, PP3_supporting.

Quest Diagnostics Nichols Institute San Juan Capistrano
Classification: Pathogenic. Last evaluated: 2022-08-30. Review status: criteria provided, single submitter. Criteria: Quest Diagnostics criteria. Collection method: clinical testing. Allele origin: unknown.
Comment: The MUTYH c.1227_1228dup (p.Glu410Glyfs*43) variant alters the translational reading frame of the MUTYH mRNA and causes the premature termination of MUTYH protein synthesis. This variant has been reported in the published literature in both homozygous and compound heterozygous state in patients affected with polyposis or colorectal cancer (PMID: 15188161 (2004), 19531215 (2009), 19732775 (2009), 22744763 (2012), 27829682 (2017), 28195393 (2017), and 31739127 (2020)), and breast and/or cervical cancer (PMID: 19732775 (2009)). The frequency of this variant in the general population, 0.00087 (31/35430 chromosomes (Genome Aggregation Database)), is consistent with pathogenicity. Based on the available information, this variant is classified as pathogenic.

Sema4
Classification: Pathogenic for Hereditary cancer-predisposing syndrome. Last evaluated: 2021-05-06. Review status: criteria provided, single submitter. Criteria: Sema4 Curation Guidelines. Collection method: curation. Allele origin: germline.
Comment: The MUTYH c.1227_1228dupGG (p.E410GfsX43) variant has been reported as homozygous and compound heterozygous in numerous individuals with MUTYH-associated polyposis and colorectal cancer (PMID: 19732775, 22744763, 27829682, 31739127, 28195393, 23108399). It has also been reported in heterozygosity in individuals with more than 100 colon polyps, breast, colorectal, and/or other Lynch syndrome-associated cancers (PMID: 25980754, 30852976, 33471991). This variant is common in the Tunisian population (PMID: 19732775, 31739127). This variant causes a frameshift at amino acid 410 that results in premature termination 43 amino acids downstream. At this location, this is predicted to cause nonsense-mediated decay and result in an absent protein (loss of function). It was observed in 31/35430 chromosomes in the Latino population, with no homozygotes, according to the Genome Aggregation Database (PMID: 32461654), and has been reported in ClinVar (Variation ID: 127831). Based on the current evidence available, this variant is interpreted as pathogenic.